The following is an entry in ClinVar:

NM_003865.3(HESX1):c.47C>T (p.Pro16Leu)

Gene: HESX1 (HESX homeobox 1; minus strand). Cytogenetic location: 3p14.3.
Variant type: single nucleotide variant.
Coding change: c.47C>T on transcript NM_003865.3 (MANE Select); coding-DNA position 47, C replaced by T.
Protein change: p.Pro16Leu; replaces proline 16 with leucine.
Molecular consequence: missense variant.
Genome position (GRCh38, 1-based): chr3:57,199,872, G>A on the plus strand (C>T on the coding strand, the complement: HESX1 is on the minus strand). VCF-style: chr3-57199872-G-A. GRCh37 (hg19) VCF-style: chr3-57233900-G-A.
Other names: c.47C>T, p.Pro16Leu (NM_001376058.1, NM_001376059.1, NM_001376060.1 and 1 more transcripts); short protein forms P16L.
Identifiers: ClinVar variation 2051352 (VCV002051352.4), dbSNP rs770965037, ClinGen allele CA2463338.

ClinVar aggregate classification (germline): Uncertain significance (1 of 4 stars; one submission).

Conditions:
Septo-optic dysplasia sequence (SOD). Also called: Septo-optic dysplasia; DE MORSIER SYNDROME. Identifiers: Orphanet 3157, MedGen C0338503, MONDO:0008428, OMIM 182230, HP:0100842.
GROWTH HORMONE DEFICIENCY WITH PITUITARY ANOMALIES. Identifiers: MedGen C2750027, OMIM 182230.

Allele frequency attached by ClinVar (database versions not stated): gnomAD exomes below 0.00001; gnomAD 0.00001; ExAC 0.00002; TOPMed 0.00003.
gnomAD v4.1: 7 of 1,613,882 alleles (0.00043%); highest among the groups gnomAD compares: Admixed American, 0.0083%; no homozygotes.

Submission:

Labcorp Genetics (formerly Invitae), Labcorp
Classification: Uncertain significance for GROWTH HORMONE DEFICIENCY WITH PITUITARY ANOMALIES; Septo-optic dysplasia sequence. Last evaluated: 2022-10-26. Review status: criteria provided, single submitter. Criteria: Invitae Variant Classification Sherloc (09022015). Collection method: clinical testing. Allele origin: germline.
Comment: Algorithms developed to predict the effect of missense changes on protein structure and function are either unavailable or do not agree on the potential impact of this missense change (SIFT: "Tolerated"; PolyPhen-2: "Possibly Damaging"; Align-GVGD: "Class C0"). In summary, the available evidence is currently insufficient to determine the role of this variant in disease. Therefore, it has been classified as a Variant of Uncertain Significance. This variant has not been reported in the literature in individuals affected with HESX1-related conditions. This sequence change replaces proline, which is neutral and non-polar, with leucine, which is neutral and non-polar, at codon 16 of the HESX1 protein (p.Pro16Leu). This variant is present in population databases (rs770965037, gnomAD 0.009%).